The following is an entry in ClinVar:

ClinVar aggregate classification (germline): Uncertain significance. Review status: criteria provided, multiple submitters, no conflicts (2 of 4 stars). 2 submissions from 2 submitters: Uncertain significance (2). Last evaluated 2026-04-23.

Conditions:
Neurofibromatosis, type 1 (NF1). Also called: NEUROFIBROMATOSIS, TYPE I, SOMATIC; Neurofibromatosis, type I; VON RECKLINGHAUSEN DISEASE; Peripheral type neurofibromatosis. Identifiers: Orphanet 636, MedGen C0027831, MONDO:0018975, OMIM 162200. Disease mechanism: loss of function.
Cardiovascular phenotype. Identifiers: MedGen CN230736.
Hereditary cancer-predisposing syndrome. Also called: Hereditary neoplastic syndrome; Neoplastic Syndromes, Hereditary; Tumor predisposition; Hereditary Cancer Syndrome. Identifiers: Orphanet 140162, MedGen C0027672, MeSH D009386, MONDO:0015356.

Submissions (2):

Ambry Genetics
Classification: Uncertain significance for Cardiovascular phenotype; Hereditary cancer-predisposing syndrome. Last evaluated: 2026-04-23. Review status: criteria provided, single submitter. Criteria: Ambry Variant Classification Scheme 2023. Collection method: clinical testing. Allele origin: germline.
Comment: The p.L2079I variant (also known as c.6235C>A), located in coding exon 41 of the NF1 gene, results from a C to A substitution at nucleotide position 6235. The leucine at codon 2079 is replaced by isoleucine, an amino acid with highly similar properties. This amino acid position is highly conserved in available vertebrate species. In addition, the in silico prediction for this alteration is inconclusive. Based on the available evidence, the clinical significance of this variant remains unclear.

Labcorp Genetics (formerly Invitae), Labcorp
Classification: Uncertain significance for Neurofibromatosis, type 1. Last evaluated: 2021-03-17. Review status: criteria provided, single submitter. Criteria: Invitae Variant Classification Sherloc (09022015). Collection method: clinical testing. Allele origin: germline.
Comment: In summary, the available evidence is currently insufficient to determine the role of this variant in disease. Therefore, it has been classified as a Variant of Uncertain Significance. Advanced modeling of protein sequence and biophysical properties (such as structural, functional, and spatial information, amino acid conservation, physicochemical variation, residue mobility, and thermodynamic stability) performed at Invitae indicates that this missense variant is expected to disrupt NF1 protein function. This variant has not been reported in the literature in individuals with NF1-related conditions. This variant is not present in population databases (ExAC no frequency). This sequence change replaces leucine with isoleucine at codon 2079 of the NF1 protein (p.Leu2079Ile). The leucine residue is highly conserved and there is a small physicochemical difference between leucine and isoleucine.

NM_001042492.3(NF1):c.6298C>A (p.Leu2100Ile)

Gene: NF1 (neurofibromin 1; plus strand). Cytogenetic location: 17q11.2.
Variant type: single nucleotide variant.
Coding change: c.6298C>A on transcript NM_001042492.3 (MANE Select); coding-DNA position 6298, C replaced by A.
Protein change: p.Leu2100Ile; replaces leucine 2100 with isoleucine.
Molecular consequence: missense variant.
Genome position (GRCh38, 1-based): chr17:31,336,785, C>A. VCF-style: chr17-31336785-C-A. GRCh37 (hg19) VCF-style: chr17-29663803-C-A.
Other names: c.6235C>A, p.Leu2079Ile (NM_000267.4); short protein forms L2100I, L2079I.
Identifiers: ClinVar variation 1042112 (VCV001042112.6), dbSNP rs2069686615, ClinGen allele CA399012234.